The following is an entry in ClinVar:

ClinVar aggregate classification (germline): Likely benign. Review status: criteria provided, multiple submitters, no conflicts (2 of 4 stars). 3 submissions from 3 submitters: Likely benign (2). 1 of the submissions does not count toward it. Last evaluated 2023-04-24.

Conditions:
ABCG8-related disorder. Also called: ABCG8-related condition.
Cardiovascular phenotype. Identifiers: MedGen CN230736.

Allele frequency attached by ClinVar (database versions not stated): ExAC 0.00001; gnomAD exomes 0.00001; gnomAD 0.00002 and 0.00003; TOPMed 0.00005; ESP Exome Variant Server 0.00008.
gnomAD v4.1: 20 of 1,613,998 alleles (0.0012%); highest among the groups gnomAD compares: Admixed American, 0.005%; no homozygotes.

Submissions (3):

Labcorp Genetics (formerly Invitae), Labcorp
Classification: Likely benign. Last evaluated: 2023-04-24. Review status: criteria provided, single submitter. Criteria: Invitae Variant Classification Sherloc (09022015). Collection method: clinical testing. Allele origin: germline.

Ambry Genetics
Classification: Likely benign for Cardiovascular phenotype. Last evaluated: 2020-01-16. Review status: criteria provided, single submitter. Criteria: Ambry Variant Classification Scheme 2023. Collection method: clinical testing. Allele origin: germline.

PreventionGenetics, part of Exact Sciences
Classification: Likely benign for ABCG8-related condition. Last evaluated: 2023-08-08. Review status: no assertion criteria provided. Collection method: clinical testing. Allele origin: germline. Not counted in ClinVar's aggregate classification.
Comment: This variant is classified as likely benign based on ACMG/AMP sequence variant interpretation guidelines (Richards et al. 2015 PMID: 25741868, with internal and published modifications).

NM_022437.3(ABCG8):c.1017G>A (p.Arg339=)

Gene: ABCG8 (ATP binding cassette subfamily G member 8; plus strand). Cytogenetic location: 2p21.
Variant type: single nucleotide variant.
Coding change: c.1017G>A on transcript NM_022437.3 (MANE Select); coding-DNA position 1017, G replaced by A.
Protein change: p.Arg339=; no amino-acid change (arginine 339 retained).
Molecular consequence: synonymous variant.
Genome position (GRCh38, 1-based): chr2:43,872,028, G>A. VCF-style: chr2-43872028-G-A. GRCh37 (hg19) VCF-style: chr2-44099167-G-A.
Other names: c.1017G>A, p.Arg339= (NM_001357321.2).
Identifiers: ClinVar variation 754294 (VCV000754294.14), dbSNP rs375807484, ClinGen allele CA1637254.